The following is an entry in ClinVar:

NM_000044.6(AR):c.1150dup (p.His384fs)

Gene: AR (androgen receptor; plus strand). Cytogenetic location: Xq12.
Variant type: Duplication.
Coding change: c.1150dup on transcript NM_000044.6 (MANE Select); coding-DNA position 1150, one base duplicated (C; older notation c.1150dupC).
Protein change: p.His384fs; shifts the reading frame from histidine 384.
Molecular consequence: frameshift variant. On other transcripts: 5 prime UTR variant (1).
Genome position (GRCh38, 1-based): chrX:67,546,296, C duplicated; the last of 4 consecutive C bases (chrX:67,546,293-67,546,296); duplicating any one gives the same sequence. VCF-style (leftmost placement, unchanged base first): chrX-67546292-T-TC. GRCh37 (hg19) VCF-style: chrX-66766134-T-TC.
Other names: c.-634dup (NM_001011645.3); c.1150dup, p.His384fs (NM_001348061.1, NM_001348063.1, NM_001348064.1); c.1150dup, p.His384Profs (NM_001424175.1); short protein forms H384fs.
Identifiers: ClinVar variation 2941648 (VCV002941648.3), dbSNP rs2519608457, ClinGen allele CA2740092169.

ClinVar aggregate classification (germline): Pathogenic (1 of 4 stars; one submission).

Conditions:
Kennedy disease (SMAX1). Also called: SPINAL AND BULBAR MUSCULAR ATROPHY, X-LINKED 1; KENNEDY SPINAL AND BULBAR MUSCULAR ATROPHY; Spinal and Bulbar Muscular Atrophy. Identifiers: Orphanet 481, MedGen C1839259, MONDO:0010735, OMIM 313200.
Androgen resistance syndrome (AIS). Also called: DHTR DEFICIENCY; DIHYDROTESTOSTERONE RECEPTOR DEFICIENCY; ANDROGEN RECEPTOR DEFICIENCY; TESTICULAR FEMINIZATION SYNDROME; Androgen insensitivity syndrome; Androgen insensitivity. Identifiers: Orphanet 754, Orphanet 99429, MedGen C0039585, MONDO:0019154, OMIM 300068. Disease mechanism: loss of function.

Submission:

Labcorp Genetics (formerly Invitae), Labcorp
Classification: Pathogenic for Kennedy disease; Androgen resistance syndrome. Last evaluated: 2022-11-18. Review status: criteria provided, single submitter. Criteria: Invitae Variant Classification Sherloc (09022015). Collection method: clinical testing. Allele origin: germline.
Comment: For these reasons, this variant has been classified as Pathogenic. This variant has not been reported in the literature in individuals affected with AR-related conditions. This variant is not present in population databases (gnomAD no frequency). This sequence change creates a premature translational stop signal (p.His384Profs*118) in the AR gene. It is expected to result in an absent or disrupted protein product. Loss-of-function variants in AR are known to be pathogenic (PMID: 19463997).

Literature cited by the submitters: PubMed 19463997.